The following is an entry in ClinVar:

ClinVar aggregate classification (germline): Uncertain significance. Review status: criteria provided, multiple submitters, no conflicts (2 of 4 stars). 3 submissions from 3 submitters: Uncertain significance (3). Last evaluated 2025-11-22.

Conditions:
Inborn genetic diseases. Identifiers: MedGen C0950123, MeSH D030342.

Allele frequency attached by ClinVar (database versions not stated): 1000 Genomes Project 30x 0.00016; ExAC 0.00490.
gnomAD v4.1: 759 of 1,260,326 alleles (0.06%); highest among the groups gnomAD compares: Non-Finnish European, 0.073%; no homozygotes.

Submissions (3):

Labcorp Genetics (formerly Invitae), Labcorp
Classification: Uncertain significance. Last evaluated: 2025-11-22. Review status: criteria provided, single submitter. Criteria: Invitae Variant Classification Sherloc (09022015). Collection method: clinical testing. Allele origin: germline.
Comment: This sequence change replaces arginine, which is basic and polar, with glycine, which is neutral and non-polar, at codon 34 of the ADCY1 protein (p.Arg34Gly). This variant is present in population databases (rs760606743, gnomAD 0.08%), and has an allele count higher than expected for a pathogenic variant. This variant has not been reported in the literature in individuals affected with ADCY1-related conditions. ClinVar contains an entry for this variant (Variation ID: 1988548). An algorithm developed to predict the effect of missense changes on protein structure and function (PolyPhen-2) suggests that this variant is likely to be tolerated. In summary, the available evidence is currently insufficient to determine the role of this variant in disease. Therefore, it has been classified as a Variant of Uncertain Significance.

Mayo Clinic Laboratories, Mayo Clinic
Classification: Uncertain significance. Last evaluated: 2024-10-17. Review status: criteria provided, single submitter. Criteria: ACMG Guidelines, 2015. Collection method: clinical testing. Allele origin: germline. Observed: 2 variant alleles.
Comment: PM2_moderate

Ambry Genetics
Classification: Uncertain significance for Inborn genetic diseases. Last evaluated: 2024-08-19. Review status: criteria provided, single submitter. Criteria: Ambry Variant Classification Scheme 2023. Collection method: clinical testing. Allele origin: germline.

NM_021116.4(ADCY1):c.100C>G (p.Arg34Gly)

Gene: ADCY1 (adenylate cyclase 1; plus strand). Cytogenetic location: 7p12.3.
Variant type: single nucleotide variant.
Coding change: c.100C>G on transcript NM_021116.4 (MANE Select); coding-DNA position 100, C replaced by G.
Protein change: p.Arg34Gly; replaces arginine 34 with glycine.
Molecular consequence: missense variant. On other transcripts: intron variant (1).
Genome position (GRCh38, 1-based): chr7:45,574,643, C>G. VCF-style: chr7-45574643-C-G. GRCh37 (hg19) VCF-style: chr7-45614242-C-G.
Other names: p.Arg34Gly; c.-330-246C>G (NM_001281768.2); short protein forms R34G.
Identifiers: ClinVar variation 1988548 (VCV001988548.7), dbSNP rs760606743, ClinGen allele CA4248649.